The following is an entry in ClinVar:

NM_001283009.2(RTEL1):c.1064C>T (p.Ala355Val)

Genes: RTEL1 (regulator of telomere elongation helicase 1; plus strand), RTEL1-TNFRSF6B (RTEL1-TNFRSF6B readthrough (NMD candidate); plus strand). Cytogenetic location: 20q13.33.
Variant type: single nucleotide variant.
Coding change: c.1064C>T on transcript NM_001283009.2 (MANE Select); coding-DNA position 1064, C replaced by T.
Protein change: p.Ala355Val; replaces alanine 355 with valine.
Molecular consequence: missense variant. On other transcripts: non-coding transcript variant (1).
Genome position (GRCh38, 1-based): chr20:63,679,875, C>T. VCF-style: chr20-63679875-C-T. GRCh37 (hg19) VCF-style: chr20-62311228-C-T.
Other names: c.395C>T, p.Ala132Val (NM_001283010.1); c.1064C>T, p.Ala355Val (NM_016434.4); c.1136C>T, p.Ala379Val (NM_032957.5); short protein forms A132V, A355V, A379V.
Identifiers: ClinVar variation 3791217 (VCV003791217.1).

ClinVar aggregate classification (germline): Uncertain significance (1 of 4 stars; one submission).

Conditions:
Inborn genetic diseases. Identifiers: MedGen C0950123, MeSH D030342.

Submission:

Ambry Genetics
Classification: Uncertain significance for Inborn genetic diseases. Last evaluated: 2025-03-14. Review status: criteria provided, single submitter. Criteria: Ambry Variant Classification Scheme 2023. Collection method: clinical testing. Allele origin: germline.
Comment: The p.A355V variant (also known as c.1064C>T), located in coding exon 12 of the RTEL1 gene, results from a C to T substitution at nucleotide position 1064. The alanine at codon 355 is replaced by valine, an amino acid with similar properties. This amino acid position is conserved. In addition, the in silico prediction for this alteration is inconclusive. Based on the available evidence, the clinical significance of this variant remains unclear.